The following is an entry in ClinVar:

NM_001943.5(DSG2):c.748G>T (p.Asp250Tyr)

Gene: DSG2 (desmoglein 2; plus strand). Cytogenetic location: 18q12.1.
Variant type: single nucleotide variant.
Coding change: c.748G>T on transcript NM_001943.5 (MANE Select); coding-DNA position 748, G replaced by T.
Protein change: p.Asp250Tyr; replaces aspartic acid 250 with tyrosine.
Molecular consequence: missense variant.
Genome position (GRCh38, 1-based): chr18:31,524,505, G>T. VCF-style: chr18-31524505-G-T. GRCh37 (hg19) VCF-style: chr18-29104468-G-T.
Other names: short protein forms D250Y.
Identifiers: ClinVar variation 926598 (VCV000926598.10), dbSNP rs1459918321, ClinGen allele CA402135020.

ClinVar aggregate classification (germline): Uncertain significance. Review status: criteria provided, multiple submitters, no conflicts (2 of 4 stars). 3 submissions from 3 submitters: Uncertain significance (3). Last evaluated 2024-03-24.

Conditions:
Cardiomyopathy (CMYO). Also called: Cardiomyopathies. Identifiers: Orphanet 167848, MedGen C0878544, MONDO:0004994, HP:0001638. Inheritance: Various modes of inheritance.
Arrhythmogenic right ventricular cardiomyopathy (ARVD). Also called: Arrhythmogenic cardiomyopathy; Cardiomyopathy, ARVC; Arrhythmogenic right ventricular dysplasia; Arrhythmogenic Right Ventricular Cardiomyopathy (ARVC). Identifiers: Orphanet 247, MedGen C0349788, MeSH D019571, MONDO:0016587. Disease mechanism: loss of function. Inheritance: Various modes of inheritance.
Arrhythmogenic right ventricular dysplasia 10. Also called: Arrhythmogenic Right Ventricular Dysplasia/Cardiomyopathy10; ARRHYTHMOGENIC RIGHT VENTRICULAR DYSPLASIA, FAMILIAL, 10; Arrhythmogenic right ventricular dysplasia/cardiomyopathy, type 10. Identifiers: MedGen C1857777, MONDO:0012434, OMIM 610193.

Allele frequency attached by ClinVar (database versions not stated): gnomAD exomes below 0.00001; TOPMed below 0.00001.
gnomAD v4.1: 1 of 1,614,160 alleles (0.000062%); highest among the groups gnomAD compares: Non-Finnish European, 0.000085%; no homozygotes.

Submissions (3):

All of Us Research Program, National Institutes of Health
Classification: Uncertain significance for Arrhythmogenic right ventricular cardiomyopathy. Last evaluated: 2024-03-24. Review status: criteria provided, single submitter. Criteria: ACMG Guidelines, 2015. Collection method: clinical testing. Allele origin: germline. Inheritance: Autosomal dominant inheritance. Observed: 1 variant allele, 1 heterozygote.
Comment: This missense variant replaces aspartic acid with tyrosine at codon 250 of the DSG2 protein. Computational prediction tools and conservation analyses are inconclusive regarding the impact of this variant on the protein function. Computational splicing tools suggest that this variant may not impact RNA splicing. To our knowledge, functional assays have not been performed for this variant nor has this variant been reported in individuals affected with cardiovascular disorders in the literature. This variant has not been identified in the general population by the Genome Aggregation Database (gnomAD). Available evidence is insufficient to determine the role of this variant in disease conclusively. Therefore, this variant is classified as a Variant of Uncertain Significance.

This study involves interpretation of variants in research participants for the purpose of population health screening. Participant phenotype was not available at the time of variant classification. Additional details can be found in publication PMID: 35346344, PMCID: PMC8962531

Color Diagnostics, LLC DBA Color Health
Classification: Uncertain significance for Cardiomyopathy. Last evaluated: 2023-12-05. Review status: criteria provided, single submitter. Criteria: ACMG Guidelines, 2015. Collection method: clinical testing. Allele origin: germline.
Comment: This missense variant replaces aspartic acid with tyrosine at codon 250 of the DSG2 protein. Computational prediction tools and conservation analyses are inconclusive regarding the impact of this variant on the protein function. Computational splicing tools suggest that this variant may not impact RNA splicing. To our knowledge, functional assays have not been performed for this variant nor has this variant been reported in individuals affected with cardiovascular disorders in the literature. This variant has not been identified in the general population by the Genome Aggregation Database (gnomAD). Available evidence is insufficient to determine the role of this variant in disease conclusively. Therefore, this variant is classified as a Variant of Uncertain Significance.

Labcorp Genetics (formerly Invitae), Labcorp
Classification: Uncertain significance for Arrhythmogenic right ventricular dysplasia 10. Last evaluated: 2022-10-02. Review status: criteria provided, single submitter. Criteria: Invitae Variant Classification Sherloc (09022015). Collection method: clinical testing. Allele origin: germline.
Comment: In summary, the available evidence is currently insufficient to determine the role of this variant in disease. Therefore, it has been classified as a Variant of Uncertain Significance. Advanced modeling of protein sequence and biophysical properties (such as structural, functional, and spatial information, amino acid conservation, physicochemical variation, residue mobility, and thermodynamic stability) performed at Invitae indicates that this missense variant is not expected to disrupt DSG2 protein function. ClinVar contains an entry for this variant (Variation ID: 926598). This variant has not been reported in the literature in individuals affected with DSG2-related conditions. This variant is not present in population databases (gnomAD no frequency). This sequence change replaces aspartic acid, which is acidic and polar, with tyrosine, which is neutral and polar, at codon 250 of the DSG2 protein (p.Asp250Tyr).